The following is an entry in ClinVar:

NM_000548.5(TSC2):c.4900C>T (p.Arg1634Cys)

Gene: TSC2 (TSC complex subunit 2; plus strand). Cytogenetic location: 16p13.3.
Variant type: single nucleotide variant.
Coding change: c.4900C>T on transcript NM_000548.5 (MANE Select); coding-DNA position 4900, C replaced by T.
Protein change: p.Arg1634Cys; replaces arginine 1634 with cysteine.
Molecular consequence: missense variant.
Genome position (GRCh38, 1-based): chr16:2,086,782, C>T. VCF-style: chr16-2086782-C-T. GRCh37 (hg19) VCF-style: chr16-2136783-C-T.
Other names: p.R1634C:CGC>TGC; c.4699C>T, p.Arg1567Cys (NM_001077183.3); c.4831C>T, p.Arg1611Cys (NM_001114382.3); c.4591C>T, p.Arg1531Cys (NM_001318827.2); c.4555C>T, p.Arg1519Cys (NM_001318829.2); c.4168C>T, p.Arg1390Cys (NM_001318831.2); c.4732C>T, p.Arg1578Cys (NM_001318832.2); c.4702C>T, p.Arg1568Cys (NM_001363528.2); and 2 more; short protein forms R1634C, R1519C, R1578C, R1611C, R1531C, R1590C, R1591C, R1390C.
Identifiers: ClinVar variation 207757 (VCV000207757.24), dbSNP rs760457821, ClinGen allele CA053034.
Genomic context (GRCh38, chr16:2,086,782, plus strand): 5'-TCACCCTCAGCCGTCTTCCACATCGCCACCCTGATGCCCACCAAGGACGTGGACAAGCAC[C>T]GCTGCGACAAGAAGCGCCACCTGGGCAACGACTTTGTGTCCATTGTCTACAATGACTCCG-3'
Protein context (NP_000539.2, residues 1624-1644): LMPTKDVDKH[Arg1634Cys]CDKKRHLGND

ClinVar aggregate classification (germline): Conflicting classifications of pathogenicity. Review status: criteria provided, conflicting classifications (1 of 4 stars). 10 submissions from 10 submitters: Uncertain significance (8); Benign (1); Likely benign (1). Last evaluated 2026-04-13.

Conditions:
Lymphangiomyomatosis (LAM). Also called: Lymphangioleiomyomatosis; Lymphangioleiomyomatosis, somatic. Identifiers: Orphanet 538, MedGen C0751674, MONDO:0011705, OMIM 606690.
Isolated focal cortical dysplasia type II (FCORD2). Also called: Focal cortical dysplasia type II; CORTICAL DYSPLASIA OF TAYLOR. Identifiers: Orphanet 268994, MedGen C1846385, MONDO:0011818, OMIM 607341, HP:0032051.
Tuberous sclerosis 2 (TSC2). Identifiers: Orphanet 805, MedGen C1860707, MONDO:0013199, OMIM 613254.
Hereditary cancer-predisposing syndrome. Also called: Tumor predisposition; Hereditary Cancer Syndrome; Hereditary neoplastic syndrome; Neoplastic Syndromes, Hereditary. Identifiers: Orphanet 140162, MedGen C0027672, MeSH D009386, MONDO:0015356.
Tuberous sclerosis syndrome (TSC). Also called: Tuberous Sclerosis Complex; Tuberous sclerosis. Identifiers: Orphanet 805, MedGen C0041341, MONDO:0001734.

Allele frequency attached by ClinVar (database versions not stated): ExAC 0.00001; gnomAD exomes below 0.00001.
gnomAD v4.1: 7 of 1,611,454 alleles (0.00043%); highest among the groups gnomAD compares: East Asian, 0.0022%; no homozygotes.

Submissions (10):

Ambry Genetics
Classification: Likely benign for Hereditary cancer-predisposing syndrome. Last evaluated: 2026-04-13. Review status: criteria provided, single submitter. Criteria: Ambry Variant Classification Scheme 2023. Collection method: clinical testing. Allele origin: germline.

Labcorp Genetics (formerly Invitae), Labcorp
Classification: Benign for Tuberous sclerosis 2. Last evaluated: 2025-11-26. Review status: criteria provided, single submitter. Criteria: Invitae Variant Classification Sherloc (09022015). Collection method: clinical testing. Allele origin: germline.

Women's Health and Genetics/Laboratory Corporation of America, LabCorp
Classification: Uncertain significance. Last evaluated: 2025-05-08. Review status: criteria provided, single submitter. Criteria: LabCorp Variant Classification Summary - May 2015. Collection method: clinical testing. Allele origin: germline.
Comment: Variant summary: TSC2 c.4900C>T (p.Arg1634Cys) results in a non-conservative amino acid change in the encoded protein sequence. Algorithms developed to predict the effect of missense changes on protein structure and function all suggest that this variant is likely to be disruptive. The variant allele was found at a frequency of 4e-06 in 249316 control chromosomes. The available data on variant occurrences in the general population are insufficient to allow any conclusion about variant significance. To our knowledge, no occurrence of c.4900C>T in individuals affected with Tuberous Sclerosis Complex and no experimental evidence demonstrating its impact on protein function have been reported. ClinVar contains an entry for this variant (Variation ID: 207757). Based on the evidence outlined above, the variant was classified as uncertain significance.

Revvity Omics, Revvity
Classification: Uncertain significance for Tuberous sclerosis 2. Last evaluated: 2025-01-17. Review status: criteria provided, single submitter. Criteria: ACMG Guidelines, 2015. Collection method: clinical testing. Allele origin: germline.

All of Us Research Program, National Institutes of Health
Classification: Uncertain significance for Tuberous sclerosis syndrome. Last evaluated: 2024-05-14. Review status: criteria provided, single submitter. Criteria: ACMG Guidelines, 2015. Collection method: clinical testing. Allele origin: germline. Inheritance: Autosomal dominant inheritance. Observed: 1 variant allele, 1 heterozygote.
Comment: This missense variant replaces arginine with cysteine at codon 1634 of the TSC2 protein. Computational prediction is inconclusive regarding the impact of this variant on protein structure and function. To our knowledge, functional studies have not been reported for this variant. This variant has not been reported in individuals affected with TSC2-related disorders in the literature. This variant has been identified in 1/249316 chromosomes in the general population by the Genome Aggregation Database (gnomAD). The available evidence is insufficient to determine the role of this variant in disease conclusively. Therefore, this variant is classified as a Variant of Uncertain Significance.

This study involves interpretation of variants in research participants for the purpose of population health screening. Participant phenotype was not available at the time of variant classification. Additional details can be found in publication PMID: 35346344, PMCID: PMC8962531

Fulgent Genetics
Classification: Uncertain significance for Lymphangiomyomatosis; Isolated focal cortical dysplasia type II; Tuberous sclerosis 2. Last evaluated: 2024-04-22. Review status: criteria provided, single submitter. Criteria: ACMG Guidelines, 2015. Collection method: clinical testing. Allele origin: germline.

Color Diagnostics, LLC DBA Color Health
Classification: Uncertain significance for Tuberous sclerosis syndrome. Last evaluated: 2024-03-18. Review status: criteria provided, single submitter. Criteria: ACMG Guidelines, 2015. Collection method: clinical testing. Allele origin: germline.
Comment: This missense variant replaces arginine with cysteine at codon 1634 of the TSC2 protein. Computational prediction is inconclusive regarding the impact of this variant on protein structure and function. To our knowledge, functional studies have not been reported for this variant. This variant has not been reported in individuals affected with TSC2-related disorders in the literature. This variant has been identified in 1/249316 chromosomes in the general population by the Genome Aggregation Database (gnomAD). The available evidence is insufficient to determine the role of this variant in disease conclusively. Therefore, this variant is classified as a Variant of Uncertain Significance.

Genome-Nilou Lab
Classification: Uncertain significance for Tuberous sclerosis 2. Last evaluated: 2021-11-07. Review status: criteria provided, single submitter. Criteria: ACMG Guidelines, 2015. Collection method: clinical testing. Allele origin: germline. Affected: no.

Eurofins Ntd Llc (ga)
Classification: Uncertain significance. Last evaluated: 2015-10-16. Review status: criteria provided, single submitter. Criteria: EGL Classification Definitions 2015. Collection method: clinical testing. Allele origin: germline. Observed: 1 variant allele, 1 heterozygote.

GeneDx
Classification: Uncertain significance. Last evaluated: 2012-11-06. Review status: criteria provided, single submitter. Criteria: GeneDx Variant Classification (06012015). Collection method: clinical testing. Allele origin: germline. Affected: yes.
Comment: p.Arg1634Cys (CGC>TGC):c.4900 C>T in exon 38 of the TSC2 gene (NM_000548.3)The Arg1634Cys missense change has not been published as a mutation, nor has it been reported as a benign polymorphism to our knowledge. The NHLBI ESP Exome Variant Project has not identified Arg1634Cys in approximately 6,500 individuals of European or African American ethnicity, indicating that it is not a common benign variant in these populations. The amino acid substitution is non-conservative, as a positively charged Arginine residue is replaced by an uncharged Cysteine residue, and the gain of a Cysteine could affect disulfide bond formation in the protein. It alters a position in the GAP-related domain of the tuberin protein near the location of many pathogenic missense mutations; however, this position is not conserved through evolution. Some in silico algorithms predict it Arg1634Cys may be damaging to protein structure/function, while another model indicates it is likely benign. Therefore, based on the currently available information, it is unclear whether Arg1634Cys is a disease-causing mutation or a rare benign variant. The variant is found in INFANT-EPI panel(s).